The following is an entry in ClinVar:

NM_005431.2(XRCC2):c.105A>G (p.Glu35=)

Gene: XRCC2 (X-ray repair cross complementing 2; minus strand). Cytogenetic location: 7q36.1.
Variant type: single nucleotide variant.
Coding change: c.105A>G on transcript NM_005431.2 (MANE Select); coding-DNA position 105, A replaced by G.
Protein change: p.Glu35=; no amino-acid change (glutamic acid 35 retained).
Molecular consequence: synonymous variant.
Genome position (GRCh38, 1-based): chr7:152,660,717, T>C on the plus strand (A>G on the coding strand, the complement: XRCC2 is on the minus strand). VCF-style: chr7-152660717-T-C. GRCh37 (hg19) VCF-style: chr7-152357802-T-C.
Identifiers: ClinVar variation 2625100 (VCV002625100.2), dbSNP rs2485896782, ClinGen allele CA458803818.

ClinVar aggregate classification (germline): Uncertain significance (1 of 4 stars; one submission).

Conditions:
Hereditary cancer-predisposing syndrome. Also called: Tumor predisposition; Hereditary Cancer Syndrome; Hereditary neoplastic syndrome; Neoplastic Syndromes, Hereditary. Identifiers: Orphanet 140162, MedGen C0027672, MeSH D009386, MONDO:0015356.

Allele frequency attached by ClinVar (database versions not stated): gnomAD exomes below 0.00001.
gnomAD v4.1: 1 of 1,613,332 alleles (0.000062%); highest among the groups gnomAD compares: African/African-American, 0.0013%; no homozygotes.

Submission:

Ambry Genetics
Classification: Uncertain significance for Hereditary cancer-predisposing syndrome. Last evaluated: 2023-07-03. Review status: criteria provided, single submitter. Criteria: Ambry Variant Classification Scheme 2023. Collection method: clinical testing. Allele origin: germline.
Comment: The c.105A>G variant (also known as p.E35E), located in coding exon 2 of the XRCC2 gene, results from an A to G substitution at nucleotide position 105. This nucleotide substitution does not change the glutamic acid at codon 35. This nucleotide position is highly conserved in available vertebrate species. In silico splice site analysis for this alteration is inconclusive. Since supporting evidence is limited at this time, the clinical significance of this alteration remains unclear.